The following is an entry in ClinVar:

ClinVar aggregate classification (germline): Pathogenic (1 of 4 stars; one submission).

Submission:

GeneDx
Classification: Pathogenic. Last evaluated: 2024-03-25. Review status: criteria provided, single submitter. Criteria: GeneDx Variant Classification Process June 2021. Collection method: clinical testing. Allele origin: germline. Affected: yes.
Comment: Nonsense variant predicted to result in protein truncation or nonsense mediated decay in a gene for which loss of function is a known mechanism of disease; Not observed at significant frequency in large population cohorts (gnomAD); Has not been previously published as pathogenic or benign to our knowledge

NM_006035.4(CDC42BPB):c.4481G>A (p.Trp1494Ter)

Gene: CDC42BPB (CDC42 binding protein kinase beta; minus strand). Cytogenetic location: 14q32.32.
Variant type: single nucleotide variant.
Coding change: c.4481G>A on transcript NM_006035.4 (MANE Select); coding-DNA position 4481, G replaced by A.
Protein change: p.Trp1494Ter; replaces tryptophan 1494 with a stop codon.
Molecular consequence: nonsense.
Genome position (GRCh38, 1-based): chr14:102,940,252, C>T on the plus strand (G>A on the coding strand, the complement: CDC42BPB is on the minus strand). VCF-style: chr14-102940252-C-T. GRCh37 (hg19) VCF-style: chr14-103406589-C-T.
Other names: c.4403G>A, p.Trp1468Ter (NM_001411054.1); short protein forms W1468*, W1494*.
Identifiers: ClinVar variation 3343097 (VCV003343097.1).
Genomic context (GRCh38, chr14:102,940,252, plus strand): 5'-CCCGCCCGCACAGGAGGGCACCGAGGCCGCCTTACCCTCCGCAGGCCGATGGTCTGCACC[C>T]ACTCCATGGTGCGCACATCAAAGACGTCCACGCCATACTCGCTGTACACCGTGACGTGGG-3'